The following is an entry in ClinVar:

NM_001943.5(DSG2):c.86_87delinsATTCTATTGTTGTGCTATTGTTAT (p.Leu29fs)

Gene: DSG2 (desmoglein 2; plus strand). Cytogenetic location: 18q12.1.
Variant type: Indel.
Coding change: c.86_87delinsATTCTATTGTTGTGCTATTGTTAT on transcript NM_001943.5 (MANE Select); coding-DNA positions 86 to 87, TA replaced by ATTCTATTGTTGTGCTATTGTTAT.
Protein change: p.Leu29fs; shifts the reading frame from leucine 29.
Molecular consequence: frameshift variant.
Genome position (GRCh38, 1-based): chr18:31,519,807-31,519,808, TA replaced by ATTCTATTGTTGTGCTATTGTTAT. VCF-style: chr18-31519807-TA-ATTCTATTGTTGTGCTATTGTTAT. GRCh37 (hg19) VCF-style: chr18-29099770-TA-ATTCTATTGTTGTGCTATTGTTAT.
Other names: c.86_87delTAinsATTCTATTGTTGTGCTATTGTTAT (NM_001943.3); c.86_87delinsATTCTATTGTTGTGCTATTGTTAT (LRG_397t1); short protein forms L29fs.
Identifiers: ClinVar variation 199834 (VCV000199834.3), dbSNP rs794728100, ClinGen allele CA022311.
Genomic context (GRCh38, chr18:31,519,807, plus strand): 5'-CTAATGTTCTATATTTATGACACATAATAAATTTTGGCAATATTCTATTGTTATAGGTCT[TA>ATTCTATTGTTGTGCTATTGTTAT]AGCACAAGAAATGAAAATAAGCTGCTTCCTAAACATCCTCATTTAGTGCGGCAAAAGCGC-3'

ClinVar aggregate classification (germline): Pathogenic/Likely pathogenic. Review status: criteria provided, multiple submitters, no conflicts (2 of 4 stars). 2 submissions from 2 submitters: Pathogenic (1); Likely pathogenic (1). Last evaluated 2023-11-10.

Conditions:
Cardiovascular phenotype. Identifiers: MedGen CN230736.

Submissions (2):

Ambry Genetics
Classification: Pathogenic for Cardiovascular phenotype. Last evaluated: 2023-11-10. Review status: criteria provided, single submitter. Criteria: Ambry Variant Classification Scheme 2023. Collection method: clinical testing. Allele origin: germline.
Comment: The c.86_87delTAins24 variant, located in coding exon 3 of the DSG2 gene, results from the deletion of two nucleotides and insertion of 24 nucleotides causing a translational frameshift with a predicted alternate stop codon (p.L29Yfs*9). This variant is considered to be rare based on population cohorts in the Genome Aggregation Database (gnomAD). This alteration is expected to result in loss of function by premature protein truncation or nonsense-mediated mRNA decay. As such, this alteration is interpreted as a disease-causing mutation.

GeneDx
Classification: Likely pathogenic. Last evaluated: 2021-03-17. Review status: criteria provided, single submitter. Criteria: GeneDx Variant Classification Process June 2021. Collection method: clinical testing. Allele origin: germline. Affected: yes.
Comment: Identified as a secondary finding by exome sequencing in published literature (Carruth et al., 2019) in an individual who did not have ARVC Reported as 85_86insATTC due to the use of alternate nomenclature; Frameshift variant predicted to result in protein truncation or nonsense mediated decay in a gene for which loss-of-function is a known mechanism of disease; Not observed at a significant frequency in large population cohorts (Lek et al., 2016); This variant is associated with the following publications: (PMID: 31638835)

Literature cited by the submitters: PubMed 31638835 (cited by Ambry Genetics).